The following is an entry in ClinVar:

ClinVar aggregate classification (germline): Uncertain significance (1 of 4 stars; one submission).

Allele frequency attached by ClinVar (database versions not stated): ExAC 0.00001.

Submission:

Labcorp Genetics (formerly Invitae), Labcorp
Classification: Uncertain significance. Last evaluated: 2023-11-15. Review status: criteria provided, single submitter. Criteria: Invitae Variant Classification Sherloc (09022015). Collection method: clinical testing. Allele origin: germline.
Comment: This sequence change falls in intron 4 of the MSH3 gene. It does not directly change the encoded amino acid sequence of the MSH3 protein. This variant is not present in population databases (gnomAD no frequency). This variant has not been reported in the literature in individuals affected with MSH3-related conditions. Algorithms developed to predict the effect of sequence changes on RNA splicing suggest that this variant may disrupt the consensus splice site. In summary, the available evidence is currently insufficient to determine the role of this variant in disease. Therefore, it has been classified as a Variant of Uncertain Significance.

NM_002439.5(MSH3):c.793-8T>G

Gene: MSH3 (mutS homolog 3; plus strand). Cytogenetic location: 5q14.1.
Variant type: single nucleotide variant.
Coding change: c.793-8T>G on transcript NM_002439.5 (MANE Select); 8 bases into the intron before coding-DNA position 793, T replaced by G.
Molecular consequence: intron variant.
Genome position (GRCh38, 1-based): chr5:80,672,236, T>G. VCF-style: chr5-80672236-T-G. GRCh37 (hg19) VCF-style: chr5-79968055-T-G.
Identifiers: ClinVar variation 2696043 (VCV002696043.3), dbSNP rs760197700, ClinGen allele CA3327718.